The following is an entry in ClinVar:

NM_033305.3(VPS13A):c.5378A>G (p.Gln1793Arg)

Gene: VPS13A (vacuolar protein sorting 13 homolog A; plus strand). Cytogenetic location: 9q21.2.
Variant type: single nucleotide variant.
Coding change: c.5378A>G on transcript NM_033305.3 (MANE Select); coding-DNA position 5378, A replaced by G.
Protein change: p.Gln1793Arg; replaces glutamine 1793 with arginine.
Molecular consequence: missense variant.
Genome position (GRCh38, 1-based): chr9:77,319,636, A>G. VCF-style: chr9-77319636-A-G. GRCh37 (hg19) VCF-style: chr9-79934552-A-G.
Other names: p.Gln1793Arg; c.5261A>G, p.Gln1754Arg (NM_001018037.2); c.5378A>G, p.Gln1793Arg (NM_001018038.3, NM_015186.4); short protein forms Q1754R, Q1793R.
Identifiers: ClinVar variation 4541452 (VCV004541452.1).

ClinVar aggregate classification (germline): Uncertain significance (1 of 4 stars; one submission).

gnomAD v4.1: 1 of 1,611,544 alleles (0.000062%); highest among the groups gnomAD compares: Admixed American, 0.0017%; no homozygotes.

Submission:

Mayo Clinic Laboratories, Mayo Clinic
Classification: Uncertain significance. Last evaluated: 2025-07-22. Review status: criteria provided, single submitter. Criteria: ACMG Guidelines, 2015. Collection method: clinical testing. Allele origin: germline. Observed: 1 variant allele.
Comment: BP4_moderate, PM2_supporting